The following is an entry in ClinVar:

NM_006269.2(RP1):c.2482del (p.Gln828fs)

Gene: RP1 (RP1 axonemal microtubule associated; plus strand). Cytogenetic location: 8q12.1.
Variant type: Deletion.
Coding change: c.2482del on transcript NM_006269.2 (MANE Select); coding-DNA position 2482, one base deleted (C; older notation c.2482delC).
Protein change: p.Gln828fs; shifts the reading frame from glutamine 828.
Molecular consequence: frameshift variant. On other transcripts: intron variant (1).
Genome position (GRCh38, 1-based): chr8:54,626,364, C deleted. VCF-style (leftmost placement, unchanged base first): chr8-54626363-GC-G. GRCh37 (hg19) VCF-style: chr8-55538923-GC-G.
Other names: p.Gln828LysfsTer20; c.787+4076del (NM_001375654.1); short protein forms Q828fs.
Identifiers: ClinVar variation 4849651 (VCV004849651.1).

ClinVar aggregate classification (germline): Likely pathogenic (1 of 4 stars; one submission).

Conditions:
Retinitis pigmentosa 1 (RP1). Identifiers: Orphanet 791, MedGen C0220701, MONDO:0008377, OMIM 180100.

Submission:

Medical Molecular Genetics Department, National Research Center
Classification: Likely pathogenic for Retinitis pigmentosa 1. Last evaluated: 2026-03-01. Review status: criteria provided, single submitter. Criteria: ACMG Guidelines, 2015. Collection method: research. Allele origin: germline. Affected: yes. Observed: 1 variant allele.
Comment: RP1 c.2482del (p.Gln828LysfsTer20): Frameshift (null variant). Absent from gnomAD. Loss-of-function consistent with autosomal recessive mechanism. Classified Likely pathogenic (PVS1,PM2)